The following is an entry in ClinVar:

NC_000007.13:g.(?_121738484)_(121773780_?)del

Gene: AASS (aminoadipate-semialdehyde synthase; minus strand). Cytogenetic location: 7q31.32.
Variant type: Deletion.
Identifiers: ClinVar variation 2425417 (VCV002425417.4).

ClinVar aggregate classification (germline): Pathogenic (1 of 4 stars; one submission).

Submission:

Labcorp Genetics (formerly Invitae), Labcorp
Classification: Pathogenic. Last evaluated: 2023-11-16. Review status: criteria provided, single submitter. Criteria: Invitae Variant Classification Sherloc (09022015). Collection method: clinical testing. Allele origin: germline.
Comment: This variant is a gross deletion of the genomic region encompassing exon(s) 2-15 of the AASS gene, which includes the initiator codon. This deletion extends beyond the assayed region for this gene and therefore may encompass additional genes. It is expected to result in an absent or disrupted protein product. Loss-of-function variants in AASS are known to be pathogenic (PMID: 23570448, 23890588). This variant has not been reported in the literature in individuals affected with AASS-related conditions. For these reasons, this variant has been classified as Pathogenic.

Literature cited by the submitters: PubMed 23570448; PubMed 23890588.